The following is an entry in ClinVar:

ClinVar aggregate classification (germline): Pathogenic (1 of 4 stars; one submission).

Conditions:
Hereditary cancer-predisposing syndrome. Also called: Neoplastic Syndromes, Hereditary; Tumor predisposition; Hereditary neoplastic syndrome; Hereditary Cancer Syndrome. Identifiers: Orphanet 140162, MedGen C0027672, MeSH D009386, MONDO:0015356.

Submission:

Ambry Genetics
Classification: Pathogenic for Hereditary cancer-predisposing syndrome. Last evaluated: 2022-12-02. Review status: criteria provided, single submitter. Criteria: Ambry Variant Classification Scheme 2023. Collection method: clinical testing. Allele origin: germline.
Comment: The c.3445_3450delCTGATAinsT pathogenic mutation, located in coding exon 17 of the BLM gene, results from the deletion of 6 nucleotides and insertion of one nucleotide causing a translational frameshift with a predicted alternate stop codon (p.L1149Sfs*2). This alteration is expected to result in loss of function by premature protein truncation or nonsense-mediated mRNA decay. As such, this alteration is interpreted as a disease-causing mutation.

NM_000057.4(BLM):c.3445_3450delinsT (p.Leu1149fs)

Gene: BLM (BLM RecQ like helicase; plus strand). Cytogenetic location: 15q26.1.
Variant type: Indel.
Coding change: c.3445_3450delinsT on transcript NM_000057.4 (MANE Select); coding-DNA positions 3445 to 3450, CTGATA replaced by T.
Protein change: p.Leu1149fs; shifts the reading frame from leucine 1149.
Molecular consequence: frameshift variant. On other transcripts: intron variant (1).
Genome position (GRCh38, 1-based): chr15:90,803,607-90,803,612, CTGATA replaced by T. VCF-style: chr15-90803607-CTGATA-T. GRCh37 (hg19) VCF-style: chr15-91346837-CTGATA-T.
Other names: c.3445_3450delinsT, p.Leu1149fs (NM_001287246.2); c.2320_2325delinsT, p.Leu774fs (NM_001287248.2); c.3358+5270_3358+5275delinsT (NM_001287247.2); short protein forms L1149fs, L774fs.
Identifiers: ClinVar variation 2452535 (VCV002452535.2), dbSNP rs2505547150, ClinGen allele CA2580090287.